The following is an entry in ClinVar:

ClinVar aggregate classification (germline): Uncertain significance. Review status: criteria provided, multiple submitters, no conflicts (2 of 4 stars). 2 submissions from 2 submitters: Uncertain significance (2). Last evaluated 2025-03-31.

Conditions:
Norman-Roberts syndrome (LIS2). Also called: Lissencephaly 2 (Norman-Roberts type). Identifiers: Orphanet 89844, MedGen C0796089, MONDO:0009760, OMIM 257320.
Familial temporal lobe epilepsy 7. Identifiers: Orphanet 101046, MedGen C4225327, MONDO:0014639, OMIM 616436.

gnomAD v4.1: 1 of 1,554,456 alleles (0.000064%); highest among the groups gnomAD compares: Admixed American, 0.0017%; no homozygotes.

Submissions (2):

Labcorp Genetics (formerly Invitae), Labcorp
Classification: Uncertain significance for Familial temporal lobe epilepsy 7; Norman-Roberts syndrome. Last evaluated: 2025-03-31. Review status: criteria provided, single submitter. Criteria: Invitae Variant Classification Sherloc (09022015). Collection method: clinical testing. Allele origin: germline.
Comment: This sequence change replaces glutamine, which is neutral and polar, with arginine, which is basic and polar, at codon 1000 of the RELN protein (p.Gln1000Arg). This variant is not present in population databases (gnomAD no frequency). This variant has not been reported in the literature in individuals affected with RELN-related conditions. ClinVar contains an entry for this variant (Variation ID: 940103). Invitae Evidence Modeling of protein sequence and biophysical properties (such as structural, functional, and spatial information, amino acid conservation, physicochemical variation, residue mobility, and thermodynamic stability) indicates that this missense variant is not expected to disrupt RELN protein function with a negative predictive value of 80%. In summary, the available evidence is currently insufficient to determine the role of this variant in disease. Therefore, it has been classified as a Variant of Uncertain Significance.

Mayo Clinic Laboratories, Mayo Clinic
Classification: Uncertain significance. Last evaluated: 2019-06-09. Review status: criteria provided, single submitter. Criteria: ACMG Guidelines, 2015. Collection method: clinical testing. Allele origin: germline. Observed: 1 variant allele.

NM_005045.4(RELN):c.2999A>G (p.Gln1000Arg)

Gene: RELN (reelin; minus strand). Cytogenetic location: 7q22.1.
Variant type: single nucleotide variant.
Coding change: c.2999A>G on transcript NM_005045.4 (MANE Select); coding-DNA position 2999, A replaced by G.
Protein change: p.Gln1000Arg; replaces glutamine 1000 with arginine.
Molecular consequence: missense variant.
Genome position (GRCh38, 1-based): chr7:103,610,704, T>C on the plus strand (A>G on the coding strand, the complement: RELN is on the minus strand). VCF-style: chr7-103610704-T-C. GRCh37 (hg19) VCF-style: chr7-103251151-T-C.
Other names: c.2999A>G, p.Gln1000Arg (NM_173054.3); short protein forms Q1000R.
Identifiers: ClinVar variation 940103 (VCV000940103.14), dbSNP rs772586514, ClinGen allele CA368765569.